The following is an entry in ClinVar:

NM_000203.5(IDUA):c.299+1212del

Genes: IDUA (alpha-L-iduronidase; plus strand), SLC26A1 (solute carrier family 26 member 1; minus strand). Cytogenetic location: 4p16.3.
Variant type: Deletion.
Coding change: c.299+1212del on transcript NM_000203.5 (MANE Select); 1212 bases into the intron after coding-DNA position 299, one base deleted (A; older notation c.299+1212delA).
Molecular consequence: intron variant. On other transcripts: frameshift variant (2).
Genome position (GRCh38, 1-based): chr4:989,161, A deleted. VCF-style (leftmost placement, unchanged base first): chr4-989160-CA-C. GRCh37 (hg19) VCF-style: chr4-982948-CA-C.
Other names: c.1778del, p.Leu593fs (NM_022042.4, NM_213613.4); c.576+1967del (NM_134425.4); short protein forms L593fs.
Identifiers: ClinVar variation 555513 (VCV000555513.7), dbSNP rs1553915188, ClinGen allele CA658821667.
Genomic context (GRCh38, chr4:989,160, plus strand): 5'-GACCACTGTGTGGAAGCCGGCCGCTGCGGGCACCAGCGCAGCCCTGGTGCTAACCGGGCC[CA>C]GGTCCTCGCCCTGGGCAGGGCCTCCCTCACCGACCCCCGTCTCTGAGCCCCCCTCCTTCC-3'

ClinVar aggregate classification (germline): Uncertain significance. Review status: criteria provided, single submitter (1 of 4 stars). 2 submissions from 2 submitters: Uncertain significance (1). 1 of the submissions does not count toward it. Last evaluated 2021-04-24.

Conditions:
Hurler syndrome. Also called: Gargoylism, Hurler Syndrome; MUCOPOLYSACCHARIDOSIS TYPE IH; Severe MPS I (Hurler Syndrome). Identifiers: Orphanet 93473, MedGen C0086795, MONDO:0011758, OMIM 607014.

Allele frequency attached by ClinVar (database versions not stated): gnomAD exomes below 0.00001.

Submissions (2):

Labcorp Genetics (formerly Invitae), Labcorp
Classification: Uncertain significance. Last evaluated: 2021-04-24. Review status: criteria provided, single submitter. Criteria: Invitae Variant Classification Sherloc (09022015). Collection method: clinical testing. Allele origin: germline.
Comment: In summary, the available evidence is currently insufficient to determine the role of this variant in disease. Therefore, it has been classified as a Variant of Uncertain Significance. Experimental studies and prediction algorithms are not available or were not evaluated, and the functional significance of this variant is currently unknown. This variant has not been reported in the literature in individuals with SLC26A1-related conditions. ClinVar contains an entry for this variant (Variation ID: 555513). This variant is not present in population databases (ExAC no frequency). This sequence change creates a premature translational stop signal (p.Leu593Argfs*30) in the SLC26A1 gene. While this is not anticipated to result in nonsense mediated decay, it is expected to disrupt the last 109 amino acid(s) of the SLC26A1 protein.

Counsyl
Classification: Uncertain significance for Hurler syndrome. Last evaluated: 2017-12-12. Review status: no assertion criteria provided. Collection method: clinical testing. Allele origin: unknown. Not counted in ClinVar's aggregate classification.